The following is an entry in ClinVar:

NM_004612.4(TGFBR1):c.592C>A (p.Gln198Lys)

Gene: TGFBR1 (transforming growth factor beta receptor 1; plus strand). Cytogenetic location: 9q22.33.
Variant type: single nucleotide variant.
Coding change: c.592C>A on transcript NM_004612.4 (MANE Select); coding-DNA position 592, C replaced by A.
Protein change: p.Gln198Lys; replaces glutamine 198 with lysine.
Molecular consequence: missense variant. On other transcripts: non-coding transcript variant (4), intron variant (2).
Genome position (GRCh38, 1-based): chr9:99,137,876, C>A. VCF-style: chr9-99137876-C-A. GRCh37 (hg19) VCF-style: chr9-101900158-C-A.
Other names: c.361C>A, p.Gln121Lys (NM_001130916.3); c.604C>A, p.Gln202Lys (NM_001306210.2, NM_001407416.1); c.592C>A, p.Gln198Lys (NM_001407417.1); c.397C>A, p.Gln133Lys (NM_001407418.1, NM_001407419.1, NM_001407420.1 and 1 more transcripts); c.385C>A, p.Gln129Lys (NM_001407423.1, NM_001407424.1, NM_001407425.1 and 8 more transcripts); c.346C>A, p.Gln116Lys (NM_001407436.1); c.115C>A, p.Gln39Lys (NM_001407438.1); c.575-4660C>A (NM_001407435.1); and 1 more; short protein forms Q116K, Q121K, Q129K, Q133K, Q198K, Q202K, Q39K.
Identifiers: ClinVar variation 4086632 (VCV004086632.1).
Genomic context (GRCh38, chr9:99,137,876, plus strand): 5'-AATATTGTTGATTGTGTTGAGTACTATTTATTTTTACCTTTAGGTTTACCATTGCTTGTT[C>A]AGAGAACAATTGCGAGAACTATTGTGTTACAAGAAAGCATTGGCAAAGGTCGATTTGGAG-3'
Protein context (NP_004603.1, residues 188-208): GSGSGLPLLV[Gln198Lys]RTIARTIVLQ

ClinVar aggregate classification (germline): Uncertain significance (1 of 4 stars; one submission).

Submission:

GeneDx
Classification: Uncertain significance. Last evaluated: 2025-03-17. Review status: criteria provided, single submitter. Criteria: GeneDx Variant Classification Process June 2021. Collection method: clinical testing. Allele origin: germline. Affected: yes.
Comment: Not observed at significant frequency in large population cohorts (gnomAD); In silico analysis supports that this missense variant has a deleterious effect on protein structure/function; Has not been previously published as pathogenic or benign to our knowledge